The following is an entry in ClinVar:

NM_004370.6(COL12A1):c.3892C>T (p.Pro1298Ser)

Gene: COL12A1 (collagen type XII alpha 1 chain; minus strand). Cytogenetic location: 6q13.
Variant type: single nucleotide variant.
Coding change: c.3892C>T on transcript NM_004370.6 (MANE Select); coding-DNA position 3892, C replaced by T.
Protein change: p.Pro1298Ser; replaces proline 1298 with serine.
Molecular consequence: missense variant.
Genome position (GRCh38, 1-based): chr6:75,151,975, G>A on the plus strand (C>T on the coding strand, the complement: COL12A1 is on the minus strand). VCF-style: chr6-75151975-G-A. GRCh37 (hg19) VCF-style: chr6-75861691-G-A.
Other names: p.Pro1298Ser; c.400C>T, p.Pro134Ser (NM_080645.3); c.3892C>T (NM_004370.5); short protein forms P134S, P1298S.
Identifiers: ClinVar variation 1939930 (VCV001939930.10), dbSNP rs376766442, ClinGen allele CA3893593.

ClinVar aggregate classification (germline): Uncertain significance. Review status: criteria provided, multiple submitters, no conflicts (2 of 4 stars). 4 submissions from 4 submitters: Uncertain significance (4). Last evaluated 2025-12-23.

Conditions:
Ullrich congenital muscular dystrophy 2 (UCMD2). Identifiers: Orphanet 75840, MedGen C4225314, MONDO:0014654, OMIM 616470.
Bethlem myopathy 2 (BTHLM2). Identifiers: Orphanet 536516, Orphanet 610, MedGen C4225313, MONDO:0034022, OMIM 616471.
Inborn genetic diseases. Identifiers: MedGen C0950123, MeSH D030342.

Allele frequency attached by ClinVar (database versions not stated): ExAC 0.00002; ESP Exome Variant Server 0.00008.
gnomAD v4.1: 11 of 1,613,806 alleles (0.00068%); highest among the groups gnomAD compares: Non-Finnish European, 0.00093%; no homozygotes.

Submissions (4):

Labcorp Genetics (formerly Invitae), Labcorp
Classification: Uncertain significance for Bethlem myopathy 2; Ullrich congenital muscular dystrophy 2. Last evaluated: 2025-12-23. Review status: criteria provided, single submitter. Criteria: Invitae Variant Classification Sherloc (09022015). Collection method: clinical testing. Allele origin: germline.
Comment: This sequence change replaces proline, which is neutral and non-polar, with serine, which is neutral and polar, at codon 1298 of the COL12A1 protein (p.Pro1298Ser). This variant is present in population databases (rs376766442, gnomAD 0.003%). This variant has not been reported in the literature in individuals affected with COL12A1-related conditions. ClinVar contains an entry for this variant (Variation ID: 1939930). Invitae Evidence Modeling of protein sequence and biophysical properties (such as structural, functional, and spatial information, amino acid conservation, physicochemical variation, residue mobility, and thermodynamic stability) indicates that this missense variant is not expected to disrupt COL12A1 protein function with a negative predictive value of 80%. In summary, the available evidence is currently insufficient to determine the role of this variant in disease. Therefore, it has been classified as a Variant of Uncertain Significance.

Ambry Genetics
Classification: Uncertain significance for Inborn genetic diseases. Last evaluated: 2025-09-26. Review status: criteria provided, single submitter. Criteria: Ambry Variant Classification Scheme 2023. Collection method: clinical testing. Allele origin: germline.

Mayo Clinic Laboratories, Mayo Clinic
Classification: Uncertain significance. Last evaluated: 2024-01-03. Review status: criteria provided, single submitter. Criteria: ACMG Guidelines, 2015. Collection method: clinical testing. Allele origin: germline. Observed: 1 variant allele.

Revvity Omics, Revvity
Classification: Uncertain significance. Last evaluated: 2019-03-13. Review status: criteria provided, single submitter. Criteria: ACMG Guidelines, 2015. Collection method: clinical testing. Allele origin: germline.